The following is an entry in ClinVar:

ClinVar aggregate classification (germline): Uncertain significance. Review status: criteria provided, multiple submitters, no conflicts (2 of 4 stars). 2 submissions from 2 submitters: Uncertain significance (2). Last evaluated 2023-06-18.

Conditions:
Heterotopia, periventricular, X-linked dominant (PVNH1). Also called: PERIVENTRICULAR NODULAR HETEROTOPIA 4; HETEROTOPIA, PERIVENTRICULAR, 1; PERIVENTRICULAR NODULAR HETEROTOPIA 1; X-linked periventricular heterotopia. Identifiers: Orphanet 2149, Orphanet 82004, MedGen C1848213, MONDO:0010233, OMIM 300049.
Melnick-Needles syndrome (MNS). Also called: MELNICK-NEEDLES OSTEODYSPLASTY; OSTEODYSPLASTY OF MELNICK AND NEEDLES; Melnick-Needles Syndrome (FLNA-MNS). Identifiers: Orphanet 2484, MedGen C0025237, MONDO:0010650, OMIM 309350.
Frontometaphyseal dysplasia (FMD1). Identifiers: Orphanet 1826, MedGen C0265293, MONDO:0015942.
Oto-palato-digital syndrome, type II (OPD2). Also called: FACIOPALATOOSSEOUS SYNDROME; OPD II SYNDROME; Otopalatodigital Syndrome, Type II; Otopalatodigital Syndrome Type 2 (FLNA-OPD2). Identifiers: Orphanet 669, Orphanet 90652, MedGen C1844696, MONDO:0010571, OMIM 304120.

Submissions (2):

GeneDx
Classification: Uncertain significance. Last evaluated: 2023-06-18. Review status: criteria provided, single submitter. Criteria: GeneDx Variant Classification Process June 2021. Collection method: clinical testing. Allele origin: germline. Affected: yes.
Comment: Has not been previously published as pathogenic or benign to our knowledge; Not observed at significant frequency in large population cohorts (gnomAD); In-frame deletion of one amino acid in a non-repeat region; In silico analysis supports a deleterious effect on protein structure/function

Labcorp Genetics (formerly Invitae), Labcorp
Classification: Uncertain significance for Oto-palato-digital syndrome, type II; Heterotopia, periventricular, X-linked dominant; Frontometaphyseal dysplasia; Melnick-Needles syndrome. Last evaluated: 2021-06-22. Review status: criteria provided, single submitter. Criteria: Invitae Variant Classification Sherloc (09022015). Collection method: clinical testing. Allele origin: germline.
Comment: This variant is not present in population databases (ExAC no frequency). This variant has not been reported in the literature in individuals with FLNA-related conditions. Experimental studies and prediction algorithms are not available or were not evaluated, and the functional significance of this variant is currently unknown. In summary, the available evidence is currently insufficient to determine the role of this variant in disease. Therefore, it has been classified as a Variant of Uncertain Significance. This variant, c.477_479del, results in the deletion of 1 amino acid(s) of the FLNA protein (p.Glu159del), but otherwise preserves the integrity of the reading frame.

NM_001110556.2(FLNA):c.471GGA[2] (p.Glu159del)

Gene: FLNA (filamin A; minus strand). Cytogenetic location: Xq28.
Variant type: Microsatellite.
Coding change: c.471GGA[2] on transcript NM_001110556.2 (MANE Select); two copies in a row of the 3-base unit GGA starting at c.471; the reference has three copies in a row; one copy, 3 bases deleted.
Protein change: p.Glu159del; deletes glutamic acid 159.
Molecular consequence: inframe deletion.
Genome position (GRCh38, 1-based): chrX:154,367,985-154,367,987, TCC deleted on the plus strand (GGA on the coding strand, the reverse complement: FLNA is on the minus strand); deleting any 3 consecutive bases within chrX:154,367,985-154,367,995 gives the same sequence; the position shown is the placement nearest the transcript's 3' end. VCF-style (leftmost placement, unchanged base first): chrX-154367984-ATCC-A. GRCh37 (hg19) VCF-style: chrX-153596352-ATCC-A.
Other names: c.471GGA[2], p.Glu159del (NM_001456.4); c.477_479del (NM_001456.3); short protein forms E159del.
Identifiers: ClinVar variation 1398917 (VCV001398917.9), dbSNP rs2067775754, ClinGen allele CA2466659080.